The following is an entry in ClinVar:

NM_152564.5(VPS13B):c.2488T>G (p.Leu830Val)

Gene: VPS13B (vacuolar protein sorting 13 homolog B; plus strand). Cytogenetic location: 8q22.2.
Variant type: single nucleotide variant.
Coding change: c.2488T>G on transcript NM_152564.5 (MANE Select); coding-DNA position 2488, T replaced by G.
Protein change: p.Leu830Val; replaces leucine 830 with valine.
Molecular consequence: missense variant.
Genome position (GRCh38, 1-based): chr8:99,193,030, T>G. VCF-style: chr8-99193030-T-G. GRCh37 (hg19) VCF-style: chr8-100205258-T-G.
Other names: c.2488T>G, p.Leu830Val (NM_015243.3, NM_017890.5); short protein forms L830V.
Identifiers: ClinVar variation 1974602 (VCV001974602.6), dbSNP rs1449471227, ClinGen allele CA371861784.

ClinVar aggregate classification (germline): Uncertain significance. Review status: criteria provided, single submitter (1 of 4 stars). 2 submissions from 2 submitters: Uncertain significance (1). 1 of the submissions does not count toward it. Last evaluated 2023-08-17.

Conditions:
VPS13B-related disorder. Also called: VPS13B-related condition.
Cohen syndrome (COH1). Also called: Cutis verticis gyrata, retinitis pigmentosa, and sensorineural deafness; PEPPER SYNDROME. Identifiers: Orphanet 193, MedGen C0265223, MONDO:0008999, OMIM 216550.

Allele frequency attached by ClinVar (database versions not stated): gnomAD exomes below 0.00001.
gnomAD v4.1: 2 of 1,613,672 alleles (0.00012%); highest among the groups gnomAD compares: African/African-American, 0.0027%; no homozygotes.

Submissions (2):

Labcorp Genetics (formerly Invitae), Labcorp
Classification: Uncertain significance for Cohen syndrome. Last evaluated: 2023-08-17. Review status: criteria provided, single submitter. Criteria: Invitae Variant Classification Sherloc (09022015). Collection method: clinical testing. Allele origin: germline.
Comment: In summary, the available evidence is currently insufficient to determine the role of this variant in disease. Therefore, it has been classified as a Variant of Uncertain Significance. Advanced modeling of protein sequence and biophysical properties (such as structural, functional, and spatial information, amino acid conservation, physicochemical variation, residue mobility, and thermodynamic stability) performed at Invitae indicates that this missense variant is expected to disrupt VPS13B protein function. ClinVar contains an entry for this variant (Variation ID: 1974602). This variant has not been reported in the literature in individuals affected with VPS13B-related conditions. This variant is present in population databases (no rsID available, gnomAD 0.007%). This sequence change replaces leucine, which is neutral and non-polar, with valine, which is neutral and non-polar, at codon 830 of the VPS13B protein (p.Leu830Val).

PreventionGenetics, part of Exact Sciences
Classification: Uncertain significance for VPS13B-related condition. Last evaluated: 2024-08-09. Review status: no assertion criteria provided. Collection method: clinical testing. Allele origin: germline. Not counted in ClinVar's aggregate classification.
Comment: The VPS13B c.2488T>G variant is predicted to result in the amino acid substitution p.Leu830Val. To our knowledge, this variant has not been reported in the literature. This variant is reported in 0.0062% of alleles in individuals of African descent in gnomAD. At this time, the clinical significance of this variant is uncertain due to the absence of conclusive functional and genetic evidence.